The following is an entry in ClinVar:

ClinVar aggregate classification (germline): Likely benign. Review status: criteria provided, multiple submitters, no conflicts (2 of 4 stars). 2 submissions from 2 submitters: Likely benign (2). Last evaluated 2025-10-26.

Conditions:
Intellectual disability, autosomal recessive 53 (NEDHSCA). Also called: Mental retardation, autosomal recessive 53; NEURODEVELOPMENTAL DISORDER WITH OR WITHOUT HYPOTONIA, SEIZURES, AND CEREBELLAR ATROPHY; GLYCOSYLPHOSPHATIDYLINOSITOL BIOSYNTHESIS DEFECT 13. Identifiers: Orphanet 488635, MedGen C4310794, MONDO:0014832, OMIM 616917.

Allele frequency attached by ClinVar (database versions not stated): gnomAD exomes 0.00002 and 0.00004; ExAC 0.00003; gnomAD 0.00020 and 0.00023; ESP Exome Variant Server 0.00023; TOPMed 0.00024.
gnomAD v4.1: 58 of 1,614,116 alleles (0.0036%); highest among the groups gnomAD compares: African/African-American, 0.061%; 1 homozygote.

Submissions (2):

Labcorp Genetics (formerly Invitae), Labcorp
Classification: Likely benign for Intellectual disability, autosomal recessive 53. Last evaluated: 2025-10-26. Review status: criteria provided, single submitter. Criteria: Invitae Variant Classification Sherloc (09022015). Collection method: clinical testing. Allele origin: germline.

GeneDx
Classification: Likely benign. Last evaluated: 2021-05-26. Review status: criteria provided, single submitter. Criteria: GeneDx Variant Classification Process June 2021. Collection method: clinical testing. Allele origin: germline. Affected: yes.
Comment: See Variant Classification Assertion Criteria.

NM_001127178.3(PIGG):c.1851G>A (p.Gly617=)

Gene: PIGG (phosphatidylinositol glycan anchor biosynthesis class G (EMM blood group); plus strand). Cytogenetic location: 4p16.3.
Variant type: single nucleotide variant.
Coding change: c.1851G>A on transcript NM_001127178.3 (MANE Select); coding-DNA position 1851, G replaced by A.
Protein change: p.Gly617=; no amino-acid change (glycine 617 retained).
Molecular consequence: synonymous variant. On other transcripts: non-coding transcript variant (6).
Genome position (GRCh38, 1-based): chr4:523,695, G>A. VCF-style: chr4-523695-G-A. GRCh37 (hg19) VCF-style: chr4-517484-G-A.
Other names: c.1584G>A, p.Gly528= (NM_001289051.2, NM_001345986.2); c.1452G>A, p.Gly484= (NM_001289052.2); c.1560G>A, p.Gly520= (NM_001345987.2); c.822G>A, p.Gly274= (NM_001345988.2); c.318G>A, p.Gly106= (NM_001345990.2, NM_001345991.2); c.753G>A, p.Gly251= (NM_001345994.2); c.1827G>A, p.Gly609= (NM_017733.5).
Identifiers: ClinVar variation 711406 (VCV000711406.11), dbSNP rs146030301, ClinGen allele CA2793464.
Genomic context (GRCh38, chr4:523,695, plus strand): 5'-CTTTCTGGGAGATGACGGTGAGCCTCCGTGTGGCCTCTGTGTGGAACAAGGGCATGACGG[G>A]GCCACAGCAGCGTGGCAGGACGGGCCTGGCTGTGATGTCCTGGAGCGAGACAAAGGCCAC-3'
Protein context (NP_001120650.1, residues 607-627): CGLCVEQGHD[Gly617=]ATAAWQDGPG